The following is an entry in ClinVar:

ClinVar aggregate classification (germline): Uncertain significance (1 of 4 stars; one submission).

Submission:

GeneDx
Classification: Uncertain significance. Last evaluated: 2022-10-03. Review status: criteria provided, single submitter. Criteria: GeneDx Variant Classification Process June 2021. Collection method: clinical testing. Allele origin: germline. Affected: yes.
Comment: Not observed at significant frequency in large population cohorts (gnomAD); In silico analysis supports that this missense variant has a deleterious effect on protein structure/function; Has not been previously published as pathogenic or benign to our knowledge

NM_000218.3(KCNQ1):c.634G>T (p.Val212Phe)

Gene: KCNQ1 (potassium voltage-gated channel subfamily Q member 1; plus strand). Cytogenetic location: 11p15.5.
Variant type: single nucleotide variant.
Coding change: c.634G>T on transcript NM_000218.3 (MANE Select); coding-DNA position 634, G replaced by T.
Protein change: p.Val212Phe; replaces valine 212 with phenylalanine.
Molecular consequence: missense variant. On other transcripts: intron variant (1).
Genome position (GRCh38, 1-based): chr11:2,571,354, G>T. VCF-style: chr11-2571354-G-T. GRCh37 (hg19) VCF-style: chr11-2592584-G-T.
Other names: c.634G>T, p.Val212Phe (NM_001406836.1); c.364G>T, p.Val122Phe (NM_001406837.1); c.253G>T, p.Val85Phe (NM_181798.2); c.478-12081G>T (NM_001406838.1); short protein forms V122F, V212F, V85F.
Identifiers: ClinVar variation 2446522 (VCV002446522.1), dbSNP rs2493669750, ClinGen allele CA379130491.